The following is an entry in ClinVar:

ClinVar aggregate classification (germline): Uncertain significance (1 of 4 stars; one submission).

Conditions:
Hereditary cancer-predisposing syndrome. Also called: Neoplastic Syndromes, Hereditary; Tumor predisposition; Hereditary neoplastic syndrome; Hereditary Cancer Syndrome. Identifiers: Orphanet 140162, MedGen C0027672, MeSH D009386, MONDO:0015356.

Submission:

Ambry Genetics
Classification: Uncertain significance for Hereditary cancer-predisposing syndrome. Last evaluated: 2024-06-22. Review status: criteria provided, single submitter. Criteria: Ambry Variant Classification Scheme 2023. Collection method: clinical testing. Allele origin: germline.
Comment: The p.S1449T variant (also known as c.4345T>A), located in coding exon 33 of the TSC2 gene, results from a T to A substitution at nucleotide position 4345. The serine at codon 1449 is replaced by threonine, an amino acid with similar properties. This amino acid position is conserved. In addition, the in silico prediction for this alteration is inconclusive. Based on the available evidence, the clinical significance of this variant remains unclear.

NM_000548.5(TSC2):c.4345T>A (p.Ser1449Thr)

Gene: TSC2 (TSC complex subunit 2; plus strand). Cytogenetic location: 16p13.3.
Variant type: single nucleotide variant.
Coding change: c.4345T>A on transcript NM_000548.5 (MANE Select); coding-DNA position 4345, T replaced by A.
Protein change: p.Ser1449Thr; replaces serine 1449 with threonine.
Molecular consequence: missense variant. On other transcripts: non-coding transcript variant (5).
Genome position (GRCh38, 1-based): chr16:2,084,567, T>A. VCF-style: chr16-2084567-T-A. GRCh37 (hg19) VCF-style: chr16-2134568-T-A.
Other names: c.4144T>A, p.Ser1382Thr (NM_001077183.3); c.4276T>A, p.Ser1426Thr (NM_001114382.3); c.3613T>A, p.Ser1205Thr (NM_001318831.2); c.4036T>A, p.Ser1346Thr (NM_001318827.2); c.4000T>A, p.Ser1334Thr (NM_001318829.2); c.4213T>A, p.Ser1405Thr (NM_001370404.1); c.4216T>A, p.Ser1406Thr (NM_001370405.1, NM_021055.3); c.4342T>A, p.Ser1448Thr (NM_001406663.1); and 26 more; short protein forms S1334T, S1346T, S1405T, S1423T, S1448T, S958T, S1205T, S1249T.
Identifiers: ClinVar variation 3329534 (VCV003329534.1).
Genomic context (GRCh38, chr16:2,084,567, plus strand): 5'-GCCTGGTCGGCCTCGGGCGAAGACAGTCGGGGCCAGCCCGAGGGTCCCTTGCCTTCCAGC[T>A]CCCCCCGCTCGCCCAGTGGCCTCCGGCCCCGAGGTTACACCATCTCCGACTCGGCCCCAT-3'
Protein context (NP_000539.2, residues 1439-1459): GQPEGPLPSS[Ser1449Thr]PRSPSGLRPR